The following is an entry in ClinVar:

NM_000501.4(ELN):c.1234G>A (p.Gly412Arg)

Gene: ELN (elastin; plus strand). Cytogenetic location: 7q11.23.
Variant type: single nucleotide variant.
Coding change: c.1234G>A on transcript NM_000501.4 (MANE Select); coding-DNA position 1234, G replaced by A.
Protein change: p.Gly412Arg; replaces glycine 412 with arginine.
Molecular consequence: missense variant.
Genome position (GRCh38, 1-based): chr7:74,056,354, G>A. VCF-style: chr7-74056354-G-A. GRCh37 (hg19) VCF-style: chr7-73470684-G-A.
Other names: c.1204G>A, p.Gly402Arg (NM_001081752.3, NM_001278917.2); c.1249G>A, p.Gly417Arg (NM_001081753.3, NM_001081754.3); c.1234G>A, p.Gly412Arg (NM_001081755.3, NM_001278912.2, NM_001278915.2 and 1 more transcripts); c.1126G>A, p.Gly376Arg (NM_001278913.2); c.1219G>A, p.Gly407Arg (NM_001278914.2); c.1192G>A, p.Gly398Arg (NM_001278916.2); c.1102G>A, p.Gly368Arg (NM_001278918.2); short protein forms G412R, G368R, G398R, G376R, G402R, G407R, G417R.
Identifiers: ClinVar variation 360649 (VCV000360649.15), dbSNP rs375116795, ClinGen allele CA4292902.
Genomic context (GRCh38, chr7:74,056,354, plus strand): 5'-GGAGGCATTCCTACTTACGGGGTTGGAGCTGGGGGCTTTCCCGGCTTTGGTGTCGGAGTC[G>A]GAGGTATCCCTGGAGTCGCAGGTGTCCCTGGTGTCGGAGGTGTTCCCGGAGTCGGAGGTG-3'
Protein context (NP_000492.2, residues 402-422): GGFPGFGVGV[Gly412Arg]GIPGVAGVPG

ClinVar aggregate classification (germline): Conflicting classifications of pathogenicity. Review status: criteria provided, conflicting classifications (1 of 4 stars). 4 submissions from 3 submitters: Uncertain significance (2); Benign (1); Likely benign (1). Last evaluated 2025-10-18.

Conditions:
Supravalvar aortic stenosis (SVAS). Also called: Supravalvar aortic stenosis, Eisenberg type. Identifiers: Orphanet 3193, MedGen C0003499, MONDO:0008504, OMIM 185500, HP:0004381.
Cutis laxa, autosomal dominant 1 (ADCL1). Also called: ELN-Related Cutis Laxa. Identifiers: Orphanet 90348, MedGen C3276539, MONDO:0007411, OMIM 123700. Disease mechanism: Dominant Negative.

Allele frequency attached by ClinVar (database versions not stated): ExAC 0.00003; gnomAD exomes 0.00003 and 0.00006; gnomAD 0.00005 and 0.00006; ESP Exome Variant Server 0.00008; TOPMed 0.00008.
gnomAD v4.1: 88 of 1,613,496 alleles (0.0055%); highest among the groups gnomAD compares: East Asian, 0.011%; no homozygotes.

Submissions (4):

Labcorp Genetics (formerly Invitae), Labcorp
Classification: Uncertain significance for Supravalvar aortic stenosis. Last evaluated: 2025-10-18. Review status: criteria provided, single submitter. Criteria: Invitae Variant Classification Sherloc (09022015). Collection method: clinical testing. Allele origin: germline.
Comment: This sequence change replaces glycine, which is neutral and non-polar, with arginine, which is basic and polar, at codon 412 of the ELN protein (p.Gly412Arg). This variant is present in population databases (rs375116795, gnomAD 0.02%). This variant has not been reported in the literature in individuals affected with ELN-related conditions. ClinVar contains an entry for this variant (Variation ID: 360649). Experimental studies and prediction algorithms are not available or were not evaluated, and the functional significance of this variant is currently unknown. In summary, the available evidence is currently insufficient to determine the role of this variant in disease. Therefore, it has been classified as a Variant of Uncertain Significance.

GeneDx
Classification: Uncertain significance. Last evaluated: 2024-04-23. Review status: criteria provided, single submitter. Criteria: GeneDx Variant Classification Process June 2021. Collection method: clinical testing. Allele origin: germline. Affected: yes.
Comment: In silico analysis supports that this missense variant has a deleterious effect on protein structure/function; Has not been previously published as pathogenic or benign to our knowledge

Illumina Laboratory Services, Illumina
Classification: Likely benign for Supravalvar aortic stenosis. Last evaluated: 2018-01-13. Review status: criteria provided, single submitter. Criteria: ICSL Variant Classification Criteria 13 December 2019. Collection method: clinical testing. Allele origin: germline.
Comment: This variant was observed in the ICSL laboratory as part of a predisposition screen in an ostensibly healthy population. It had not been previously curated by ICSL or reported in the Human Gene Mutation Database (HGMD: prior to June 1st, 2018), and was therefore a candidate for classification through an automated scoring system. Utilizing variant allele frequency, disease prevalence and penetrance estimates, and inheritance mode, an automated score was calculated to assess if this variant is too frequent to cause the disease. Based on the score and internal cut-off values, a variant classified as likely benign is not then subjected to further curation. The score for this variant resulted in a classification of likely benign for this disease.

Illumina Laboratory Services, Illumina
Classification: Benign for Cutis laxa, autosomal dominant 1. Last evaluated: 2018-01-13. Review status: criteria provided, single submitter. Criteria: ICSL Variant Classification Criteria 13 December 2019. Collection method: clinical testing. Allele origin: germline.
Comment: This variant was observed in the ICSL laboratory as part of a predisposition screen in an ostensibly healthy population. It had not been previously curated by ICSL or reported in the Human Gene Mutation Database (HGMD: prior to June 1st, 2018), and was therefore a candidate for classification through an automated scoring system. Utilizing variant allele frequency, disease prevalence and penetrance estimates, and inheritance mode, an automated score was calculated to assess if this variant is too frequent to cause the disease. Based on the score and internal cut-off values, a variant classified as benign is not then subjected to further curation. The score for this variant resulted in a classification of benign for this disease.